The following is an entry in ClinVar:

ClinVar aggregate classification (germline): Uncertain significance. Review status: criteria provided, multiple submitters, no conflicts (2 of 4 stars). 4 submissions from 4 submitters: Uncertain significance (3). 1 of the submissions does not count toward it. Last evaluated 2024-01-22.

Conditions:
CEP290-related ciliopathy. Also called: CEP290 ciliopathy. Identifiers: MedGen CN305601, MONDO:0100451.
Joubert syndrome. Also called: Familial aplasia of the vermis; CEREBELLOPARENCHYMAL DISORDER IV; JOUBERT-BOLTSHAUSER SYNDROME. Identifiers: Orphanet 475, MedGen C5979921, MONDO:0018772.
Meckel-Gruber syndrome. Also called: Dysencephalia splachnocystica; DYSENCEPHALIA SPLANCHNOCYSTICA; GRUBER SYNDROME. Identifiers: Orphanet 564, MedGen C0265215, MONDO:0018921.
Nephronophthisis. Also called: Juvenile Nephronophthisis. Identifiers: Orphanet 655, MedGen C0687120, MONDO:0019005, HP:0000090.
Retinal dystrophy. Also called: Inherited retinal dystrophy. Identifiers: Orphanet 71862, MedGen C0854723, MeSH D058499, MONDO:0019118, HP:0000556.
Leber congenital amaurosis (LCA). Also called: Leber's amaurosis. Identifiers: Orphanet 65, MedGen C0339527, MeSH D057130, MONDO:0018998.

Allele frequency attached by ClinVar (database versions not stated): gnomAD 0.00001.

Submissions (4):

Labcorp Genetics (formerly Invitae), Labcorp
Classification: Uncertain significance for Joubert syndrome; Meckel-Gruber syndrome; Nephronophthisis. Last evaluated: 2024-01-22. Review status: criteria provided, single submitter. Criteria: Invitae Variant Classification Sherloc (09022015). Collection method: clinical testing. Allele origin: germline.
Comment: This sequence change replaces threonine, which is neutral and polar, with alanine, which is neutral and non-polar, at codon 110 of the CEP290 protein (p.Thr110Ala). This variant is present in population databases (no rsID available, gnomAD 0.02%). This variant has not been reported in the literature in individuals affected with CEP290-related conditions. ClinVar contains an entry for this variant (Variation ID: 1041417). Advanced modeling of protein sequence and biophysical properties (such as structural, functional, and spatial information, amino acid conservation, physicochemical variation, residue mobility, and thermodynamic stability) performed at Invitae indicates that this missense variant is not expected to disrupt CEP290 protein function with a negative predictive value of 80%. In summary, the available evidence is currently insufficient to determine the role of this variant in disease. Therefore, it has been classified as a Variant of Uncertain Significance.

Dept Of Ophthalmology, Nagoya University
Classification: Uncertain significance for Retinal dystrophy. Last evaluated: 2023-10-01. Review status: criteria provided, single submitter. Criteria: Submitter's publication. Collection method: research. Allele origin: germline. Affected: yes.

Department of Pathology and Laboratory Medicine, Sinai Health System
Classification: Uncertain significance for CEP290-related ciliopathy. Last evaluated: 2022-05-18. Review status: criteria provided, single submitter. Criteria: ACMG Guidelines, 2015. Collection method: research. Allele origin: germline.

Natera, Inc.
Classification: Uncertain significance for Leber congenital amaurosis. Last evaluated: 2020-07-16. Review status: no assertion criteria provided. Collection method: clinical testing. Allele origin: germline. Not counted in ClinVar's aggregate classification.

NM_025114.4(CEP290):c.328A>G (p.Thr110Ala)

Gene: CEP290 (centrosomal protein 290; minus strand). Cytogenetic location: 12q21.32.
Variant type: single nucleotide variant.
Coding change: c.328A>G on transcript NM_025114.4 (MANE Select); coding-DNA position 328, A replaced by G.
Protein change: p.Thr110Ala; replaces threonine 110 with alanine.
Molecular consequence: missense variant.
Genome position (GRCh38, 1-based): chr12:88,136,756, T>C on the plus strand (A>G on the coding strand, the complement: CEP290 is on the minus strand). VCF-style: chr12-88136756-T-C. GRCh37 (hg19) VCF-style: chr12-88530533-T-C.
Other names: short protein forms T110A.
Identifiers: ClinVar variation 1041417 (VCV001041417.8), dbSNP rs750018041, ClinGen allele CA385987696.